The following is an entry in ClinVar:

ClinVar aggregate classification (germline): Uncertain significance (1 of 4 stars; one submission).

Submission:

Labcorp Genetics (formerly Invitae), Labcorp
Classification: Uncertain significance. Last evaluated: 2024-10-22. Review status: criteria provided, single submitter. Criteria: Invitae Variant Classification Sherloc (09022015). Collection method: clinical testing. Allele origin: germline.
Comment: This sequence change replaces lysine, which is basic and polar, with arginine, which is basic and polar, at codon 654 of the ATP8A2 protein (p.Lys654Arg). This variant is not present in population databases (gnomAD no frequency). This variant has not been reported in the literature in individuals affected with ATP8A2-related conditions. ClinVar contains an entry for this variant (Variation ID: 1400719). Invitae Evidence Modeling of protein sequence and biophysical properties (such as structural, functional, and spatial information, amino acid conservation, physicochemical variation, residue mobility, and thermodynamic stability) indicates that this missense variant is not expected to disrupt ATP8A2 protein function with a negative predictive value of 80%. In summary, the available evidence is currently insufficient to determine the role of this variant in disease. Therefore, it has been classified as a Variant of Uncertain Significance.

NM_016529.6(ATP8A2):c.1961A>G (p.Lys654Arg)

Gene: ATP8A2 (ATPase phospholipid transporting 8A2). Cytogenetic location: 13q12.13.
Variant type: single nucleotide variant.
Coding change: c.1961A>G on transcript NM_016529.6 (MANE Select); coding-DNA position 1961, A replaced by G.
Protein change: p.Lys654Arg; replaces lysine 654 with arginine.
Molecular consequence: missense variant.
Genome position (GRCh38, 1-based): chr13:25,579,901, A>G. VCF-style: chr13-25579901-A-G. GRCh37 (hg19) VCF-style: chr13-26154039-A-G.
Other names: c.1841A>G, p.Lys614Arg (NM_001313741.1); short protein forms K614R, K654R.
Identifiers: ClinVar variation 1400719 (VCV001400719.8), dbSNP rs2138231899, ClinGen allele CA387615307.